The following is an entry in ClinVar:

NM_000135.4(FANCA):c.2009G>A (p.Arg670His)

Gene: FANCA (FA complementation group A; minus strand). Cytogenetic location: 16q24.3.
Variant type: single nucleotide variant.
Coding change: c.2009G>A on transcript NM_000135.4 (MANE Select); coding-DNA position 2009, G replaced by A.
Protein change: p.Arg670His; replaces arginine 670 with histidine.
Molecular consequence: missense variant.
Genome position (GRCh38, 1-based): chr16:89,773,276, C>T on the plus strand (G>A on the coding strand, the complement: FANCA is on the minus strand). VCF-style: chr16-89773276-C-T. GRCh37 (hg19) VCF-style: chr16-89839684-C-T.
Other names: c.2009G>A, p.Arg670His (NM_001286167.3); short protein forms R670H.
Identifiers: ClinVar variation 964765 (VCV000964765.14), dbSNP rs537923341, ClinGen allele CA286568108.

ClinVar aggregate classification (germline): Conflicting classifications of pathogenicity. Review status: criteria provided, conflicting classifications (1 of 4 stars). 5 submissions from 5 submitters: Uncertain significance (1); Likely benign (2). 2 of the submissions do not count toward it. Last evaluated 2025-08-01.

Conditions:
Inborn genetic diseases. Identifiers: MedGen C0950123, MeSH D030342.
FANCA-related disorder. Also called: FANCA-related condition.
Fanconi anemia complementation group A (FANCA). Also called: FANCA-Related Fanconi Anemia; Fanconi anemia, group A. Identifiers: Orphanet 84, MedGen C3469521, MONDO:0009215, OMIM 227650.
Fanconi anemia (FA). Also called: Fanconi's anemia. Identifiers: Orphanet 84, MedGen C0015625, MeSH D005199, MONDO:0019391.

Allele frequency attached by ClinVar (database versions not stated): gnomAD 0.00001; TOPMed 0.00001; gnomAD exomes 0.00004.
gnomAD v4.1: 8 of 1,550,186 alleles (0.00052%); highest among the groups gnomAD compares: Admixed American, 0.0059%; no homozygotes.

Submissions (5):

Labcorp Genetics (formerly Invitae), Labcorp
Classification: Likely benign for Fanconi anemia. Last evaluated: 2025-08-01. Review status: criteria provided, single submitter. Criteria: Invitae Variant Classification Sherloc (09022015). Collection method: clinical testing. Allele origin: germline.

Ambry Genetics
Classification: Likely benign for Inborn genetic diseases. Last evaluated: 2025-02-12. Review status: criteria provided, single submitter. Criteria: Ambry Variant Classification Scheme 2023. Collection method: clinical testing. Allele origin: germline.

Baylor Genetics
Classification: Uncertain significance for Fanconi anemia complementation group A. Last evaluated: 2019-07-31. Review status: criteria provided, single submitter. Criteria: ACMG Guidelines, 2015. Collection method: clinical testing. Allele origin: unknown. Affected: yes.
Comment: This variant was determined to be of uncertain significance according to ACMG Guidelines, 2015 [PMID:25741868].

PreventionGenetics, part of Exact Sciences
Classification: Uncertain significance for FANCA-related condition. Last evaluated: 2024-07-12. Review status: no assertion criteria provided. Collection method: clinical testing. Allele origin: germline. Not counted in ClinVar's aggregate classification.
Comment: The FANCA c.2009G>A variant is predicted to result in the amino acid substitution p.Arg670His. To our knowledge, this variant has not been reported in the literature. This variant is reported in 0.035% of alleles in individuals of East Asian descent in gnomAD and is interpreted as uncertain in ClinVar. At this time, the clinical significance of this variant is uncertain due to the absence of conclusive functional and genetic evidence.

Natera, Inc.
Classification: Uncertain significance for Fanconi anemia. Last evaluated: 2020-06-04. Review status: no assertion criteria provided. Collection method: clinical testing. Allele origin: germline. Not counted in ClinVar's aggregate classification.